The following is an entry in ClinVar:

ClinVar aggregate classification (germline): Uncertain significance (1 of 4 stars; one submission).

Allele frequency attached by ClinVar (database versions not stated): gnomAD 0.00001 and 0.00003; gnomAD exomes 0.00001 and 0.00003; ExAC 0.00002; TOPMed 0.00002; 1000 Genomes Project 30x 0.00016; 1000 Genomes Project 0.00020.
gnomAD v4.1: 15 of 1,614,014 alleles (0.00093%); highest among the groups gnomAD compares: Admixed American, 0.012%; no homozygotes.

Submission:

Labcorp Genetics (formerly Invitae), Labcorp
Classification: Uncertain significance. Last evaluated: 2022-10-24. Review status: criteria provided, single submitter. Criteria: Invitae Variant Classification Sherloc (09022015). Collection method: clinical testing. Allele origin: germline.
Comment: This sequence change replaces glutamic acid, which is acidic and polar, with lysine, which is basic and polar, at codon 665 of the ATP8A2 protein (p.Glu665Lys). This variant is present in population databases (rs535509828, gnomAD 0.01%). This variant has not been reported in the literature in individuals affected with ATP8A2-related conditions. ClinVar contains an entry for this variant (Variation ID: 1357830). Advanced modeling of protein sequence and biophysical properties (such as structural, functional, and spatial information, amino acid conservation, physicochemical variation, residue mobility, and thermodynamic stability) performed at Invitae indicates that this missense variant is not expected to disrupt ATP8A2 protein function. In summary, the available evidence is currently insufficient to determine the role of this variant in disease. Therefore, it has been classified as a Variant of Uncertain Significance.

NM_016529.6(ATP8A2):c.1993G>A (p.Glu665Lys)

Gene: ATP8A2 (ATPase phospholipid transporting 8A2). Cytogenetic location: 13q12.13.
Variant type: single nucleotide variant.
Coding change: c.1993G>A on transcript NM_016529.6 (MANE Select); coding-DNA position 1993, G replaced by A.
Protein change: p.Glu665Lys; replaces glutamic acid 665 with lysine.
Molecular consequence: missense variant.
Genome position (GRCh38, 1-based): chr13:25,579,933, G>A. VCF-style: chr13-25579933-G-A. GRCh37 (hg19) VCF-style: chr13-26154071-G-A.
Other names: c.1873G>A, p.Glu625Lys (NM_001313741.1); short protein forms E625K, E665K.
Identifiers: ClinVar variation 1357830 (VCV001357830.3), dbSNP rs535509828, ClinGen allele CA6923150.